The following is an entry in ClinVar:

ClinVar aggregate classification (germline): Uncertain significance. Review status: criteria provided, multiple submitters, no conflicts (2 of 4 stars). 2 submissions from 2 submitters: Uncertain significance (2). Last evaluated 2023-01-26.

Conditions:
Pancreatic adenocarcinoma. Identifiers: MedGen C0281361, MONDO:0006047, HP:0006725.

Allele frequency attached by ClinVar (database versions not stated): TOPMed below 0.00001.
gnomAD v4.1: 4 of 1,611,636 alleles (0.00025%); highest among the groups gnomAD compares: Non-Finnish European, 0.00034%; no homozygotes.

Submissions (2):

Ambry Genetics
Classification: Uncertain significance. Last evaluated: 2023-01-26. Review status: criteria provided, single submitter. Criteria: Ambry Variant Classification Scheme 2023. Collection method: clinical testing. Allele origin: germline.
Comment: The p.T825A variant (also known as c.2473A>G), located in coding exon 13 of the PALLD gene, results from an A to G substitution at nucleotide position 2473. The threonine at codon 825 is replaced by alanine, an amino acid with similar properties. This amino acid position is conserved. In addition, this alteration is predicted to be tolerated by in silico analysis. Since supporting evidence is limited at this time, the clinical significance of this alteration remains unclear.

Labcorp Genetics (formerly Invitae), Labcorp
Classification: Uncertain significance for Pancreatic adenocarcinoma. Last evaluated: 2017-05-10. Review status: criteria provided, single submitter. Criteria: Invitae Variant Classification Sherloc (09022015). Collection method: clinical testing. Allele origin: germline.
Comment: In summary, this variant is a novel missense change with uncertain impact on protein function. It has been classified as a Variant of Uncertain Significance. Algorithms developed to predict the effect of missense changes on protein structure and function do not agree on the potential impact of this missense change (SIFT: "Tolerated"; PolyPhen-2: "Benign"; Align-GVGD: "Class C0"). This variant is not present in population databases (ExAC no frequency) and has not been reported in the literature in individuals with a PALLD-related disease. This sequence change replaces threonine with alanine at codon 338 of the PALLD protein (p.Thr338Ala). The threonine residue is highly conserved and there is a small physicochemical difference between threonine and alanine.

NM_001166108.2(PALLD):c.2524A>G (p.Thr842Ala)

Genes: CBR4 (carbonyl reductase 4; minus strand), PALLD (palladin, cytoskeletal associated protein; plus strand). Cytogenetic location: 4q32.3.
Variant type: single nucleotide variant.
Coding change: c.2524A>G on transcript NM_001166108.2 (MANE Select); coding-DNA position 2524, A replaced by G.
Protein change: p.Thr842Ala; replaces threonine 842 with alanine.
Molecular consequence: missense variant.
Genome position (GRCh38, 1-based): chr4:168,903,808, A>G. VCF-style: chr4-168903808-A-G. GRCh37 (hg19) VCF-style: chr4-169824959-A-G.
Other names: c.1327A>G, p.Thr443Ala (NM_001166109.2); c.1012A>G, p.Thr338Ala (NM_001166110.2); c.352A>G, p.Thr118Ala (NM_001367567.1, NM_001367569.1); c.403A>G, p.Thr135Ala (NM_001367568.1, NM_001367570.1); c.2473A>G, p.Thr825Ala (NM_016081.4); c.2473A>G (NM_016081.3); short protein forms T338A, T825A, T135A, T842A, T443A, T118A.
Identifiers: ClinVar variation 476375 (VCV000476375.10), dbSNP rs1553973196, ClinGen allele CA358799349.